The following is an entry in ClinVar:

NM_001429.4(EP300):c.4785C>T (p.Phe1595=)

Gene: EP300 (EP300 lysine acetyltransferase; plus strand). Cytogenetic location: 22q13.2.
Variant type: single nucleotide variant.
Coding change: c.4785C>T on transcript NM_001429.4 (MANE Select); coding-DNA position 4785, C replaced by T.
Protein change: p.Phe1595=; no amino-acid change (phenylalanine 1595 retained).
Molecular consequence: synonymous variant.
Genome position (GRCh38, 1-based): chr22:41,176,252, C>T. VCF-style: chr22-41176252-C-T. GRCh37 (hg19) VCF-style: chr22-41572256-C-T.
Other names: c.4707C>T, p.Phe1569= (NM_001362843.2).
Identifiers: ClinVar variation 3350277 (VCV003350277.11).

ClinVar aggregate classification (germline): Likely benign. Review status: criteria provided, single submitter (1 of 4 stars). 2 submissions from 2 submitters: Likely benign (1). 1 of the submissions does not count toward it. Last evaluated 2025-05-01.

Conditions:
EP300-related disorder. Also called: EP300-related condition; EP300-related disorders.

gnomAD v4.1: 11 of 1,614,068 alleles (0.00068%); highest among the groups gnomAD compares: Middle Eastern, 0.033%; no homozygotes.

Submissions (2):

CeGaT Center for Human Genetics Tuebingen
Classification: Likely benign. Last evaluated: 2025-05-01. Review status: criteria provided, single submitter. Criteria: CeGaT Center For Human Genetics Tuebingen Variant Classification Criteria Version 2. Collection method: clinical testing. Allele origin: germline. Affected: yes. Observed: 1 variant allele.
Comment: EP300: BP4, BP7

PreventionGenetics, part of Exact Sciences
Classification: Likely benign for EP300-related condition. Last evaluated: 2024-06-30. Review status: no assertion criteria provided. Collection method: clinical testing. Allele origin: germline. Not counted in ClinVar's aggregate classification.
Comment: This variant is classified as likely benign based on ACMG/AMP sequence variant interpretation guidelines (Richards et al. 2015 PMID: 25741868, with internal and published modifications).